The following is an entry in ClinVar:

NM_203447.4(DOCK8):c.6014A>C (p.Lys2005Thr)

Gene: DOCK8 (dedicator of cytokinesis 8; plus strand). Cytogenetic location: 9p24.3.
Variant type: single nucleotide variant.
Coding change: c.6014A>C on transcript NM_203447.4 (MANE Select); coding-DNA position 6014, A replaced by C.
Protein change: p.Lys2005Thr; replaces lysine 2005 with threonine.
Molecular consequence: missense variant.
Genome position (GRCh38, 1-based): chr9:452,063, A>C. VCF-style: chr9-452063-A-C. GRCh37 (hg19) VCF-style: chr9-452063-A-C.
Other names: c.5714A>C, p.Lys1905Thr (NM_001190458.2); c.5810A>C, p.Lys1937Thr (NM_001193536.2); short protein forms K1937T, K1905T, K2005T.
Identifiers: ClinVar variation 2701543 (VCV002701543.3), dbSNP rs2537522602, ClinGen allele CA372769737.

ClinVar aggregate classification (germline): Uncertain significance (1 of 4 stars; one submission).

Conditions:
Combined immunodeficiency due to DOCK8 deficiency (HIES2). Also called: HYPER-IgE SYNDROME 2, AUTOSOMAL RECESSIVE, WITH RECURRENT INFECTIONS; DOCK8 Deficiency; HIES autosomal recessive; Hyper-IgE recurrent infection syndrome, autosomal recessive; HYPER-IgE RECURRENT INFECTION SYNDROME 2, AUTOSOMAL RECESSIVE. Identifiers: Orphanet 217390, MedGen C4722305, MONDO:0009478, OMIM 243700.

Submission:

Labcorp Genetics (formerly Invitae), Labcorp
Classification: Uncertain significance for Combined immunodeficiency due to DOCK8 deficiency. Last evaluated: 2023-12-09. Review status: criteria provided, single submitter. Criteria: Invitae Variant Classification Sherloc (09022015). Collection method: clinical testing. Allele origin: germline.
Comment: This sequence change replaces lysine, which is basic and polar, with threonine, which is neutral and polar, at codon 2005 of the DOCK8 protein (p.Lys2005Thr). This variant is not present in population databases (gnomAD no frequency). This variant has not been reported in the literature in individuals affected with DOCK8-related conditions. Advanced modeling of protein sequence and biophysical properties (such as structural, functional, and spatial information, amino acid conservation, physicochemical variation, residue mobility, and thermodynamic stability) performed at Invitae indicates that this missense variant is not expected to disrupt DOCK8 protein function with a negative predictive value of 80%. In summary, the available evidence is currently insufficient to determine the role of this variant in disease. Therefore, it has been classified as a Variant of Uncertain Significance.